The following is an entry in ClinVar:

NM_001035.3(RYR2):c.13097T>C (p.Leu4366Ser)

Genes: RYR2 (ryanodine receptor 2; plus strand), LOC126806068 (BRD4-independent group 4 enhancer GRCh37_chr1:237947411-237948610; plus strand). Cytogenetic location: 1q43.
Variant type: single nucleotide variant.
Coding change: c.13097T>C on transcript NM_001035.3 (MANE Select); coding-DNA position 13097, T replaced by C.
Protein change: p.Leu4366Ser; replaces leucine 4366 with serine.
Molecular consequence: missense variant.
Genome position (GRCh38, 1-based): chr1:237,784,809, T>C. VCF-style: chr1-237784809-T-C. GRCh37 (hg19) VCF-style: chr1-237948109-T-C.
Other names: short protein forms L4366S.
Identifiers: ClinVar variation 4158448 (VCV004158448.1).

ClinVar aggregate classification (germline): Uncertain significance (1 of 4 stars; one submission).

Conditions:
Cardiovascular phenotype. Identifiers: MedGen CN230736.

gnomAD v4.1: 6 of 1,613,266 alleles (0.00037%); highest among the groups gnomAD compares: Non-Finnish European, 0.00051%; no homozygotes.

Submission:

Ambry Genetics
Classification: Uncertain significance for Cardiovascular phenotype. Last evaluated: 2025-08-29. Review status: criteria provided, single submitter. Criteria: Ambry Variant Classification Scheme 2023. Collection method: clinical testing. Allele origin: germline.
Comment: The p.L4366S variant (also known as c.13097T>C), located in coding exon 90 of the RYR2 gene, results from a T to C substitution at nucleotide position 13097. The leucine at codon 4366 is replaced by serine, an amino acid with dissimilar properties. This amino acid position is highly conserved in available vertebrate species. In addition, the in silico prediction for this alteration is inconclusive. Based on the available evidence, the clinical significance of this variant remains unclear.